The following is an entry in ClinVar:

NM_000038.6(APC):c.4541C>T (p.Pro1514Leu)

Gene: APC (APC regulator of Wnt signaling pathway; plus strand). Cytogenetic location: 5q22.2.
Variant type: single nucleotide variant.
Coding change: c.4541C>T on transcript NM_000038.6 (MANE Select); coding-DNA position 4541, C replaced by T.
Protein change: p.Pro1514Leu; replaces proline 1514 with leucine.
Molecular consequence: missense variant. On other transcripts: non-coding transcript variant (2).
Genome position (GRCh38, 1-based): chr5:112,840,135, C>T. VCF-style: chr5-112840135-C-T. GRCh37 (hg19) VCF-style: chr5-112175832-C-T.
Other names: c.4595C>T, p.Pro1532Leu (NM_001354896.2, NM_001407447.1, NM_001407448.1 and 1 more transcripts); c.4571C>T, p.Pro1524Leu (NM_001354897.2); c.4466C>T, p.Pro1489Leu (NM_001354898.2); c.4457C>T, p.Pro1486Leu (NM_001354899.2); c.4418C>T, p.Pro1473Leu (NM_001354900.2); c.4364C>T, p.Pro1455Leu (NM_001354901.2, NM_001407453.1); c.4268C>T, p.Pro1423Leu (NM_001354902.2); c.4238C>T, p.Pro1413Leu (NM_001354903.2, NM_001407458.1, NM_001407459.1 and 1 more transcripts); and 11 more; short protein forms P1130L, P1231L, P1354L, P1385L, P1388L, P1413L, P1423L, P1431L.
Identifiers: ClinVar variation 4860919 (VCV004860919.1).
Genomic context (GRCh38, chr5:112,840,135, plus strand): 5'-AAAGTACTCCAGATGGATTTTCTTGTTCATCCAGCCTGAGTGCTCTGAGCCTCGATGAGC[C>T]ATTTATACAGAAAGATGTGGAATTAAGAATAATGCCTCCAGTTCAGGAAAATGACAATGG-3'
Protein context (NP_000029.2, residues 1504-1524): SSLSALSLDE[Pro1514Leu]FIQKDVELRI

ClinVar aggregate classification (germline): Uncertain significance (1 of 4 stars; one submission).

Conditions:
Hereditary cancer-predisposing syndrome. Also called: Neoplastic Syndromes, Hereditary; Tumor predisposition; Hereditary Cancer Syndrome; Hereditary neoplastic syndrome. Identifiers: Orphanet 140162, MedGen C0027672, MeSH D009386, MONDO:0015356.

Submission:

Ambry Genetics
Classification: Uncertain significance for Hereditary cancer-predisposing syndrome. Last evaluated: 2026-03-25. Review status: criteria provided, single submitter. Criteria: Ambry Variant Classification Scheme 2023. Collection method: clinical testing. Allele origin: germline.
Comment: The p.P1514L variant (also known as c.4541C>T), located in coding exon 15 of the APC gene, results from a C to T substitution at nucleotide position 4541. The proline at codon 1514 is replaced by leucine, an amino acid with similar properties. This amino acid position is highly conserved in available vertebrate species. In addition, in silico predictors for this gene do not accurately predict pathogenicity. Missense variants in APC are not a common cause of disease (Spier I et al. Genet Med. 2024 Feb;26(2):100992). Based on the available evidence, the clinical significance of this variant remains unclear.